The following is an entry in ClinVar:

NM_017837.4(PIGV):c.728T>C (p.Leu243Pro)

Gene: PIGV (phosphatidylinositol glycan anchor biosynthesis class V; plus strand). Cytogenetic location: 1p36.11.
Variant type: single nucleotide variant.
Coding change: c.728T>C on transcript NM_017837.4 (MANE Select); coding-DNA position 728, T replaced by C.
Protein change: p.Leu243Pro; replaces leucine 243 with proline.
Molecular consequence: missense variant. On other transcripts: non-coding transcript variant (1), intron variant (3).
Genome position (GRCh38, 1-based): chr1:26,794,762, T>C. VCF-style: chr1-26794762-T-C. GRCh37 (hg19) VCF-style: chr1-27121253-T-C.
Other names: c.728T>C, p.Leu243Pro (NM_001202554.2, NM_001374478.1, NM_001374480.1 and 2 more transcripts); c.347T>C, p.Leu116Pro (NM_001374483.1); c.173-72T>C (NM_001374484.1, NM_001374485.1); c.79-2801T>C (NM_001374486.1); short protein forms L243P, L116P.
Identifiers: ClinVar variation 625994 (VCV000625994.2), dbSNP rs771841963, ClinGen allele CA339200444.

ClinVar aggregate classification (germline): Uncertain significance (1 of 4 stars; one submission).

Conditions:
Hyperphosphatasia with impaired intellectual development syndrome 1. Also called: Hyperphosphatasia with intellectual disability syndrome 1; MABRY SYNDROME; GLYCOSYLPHOSPHATIDYLINOSITOL BIOSYNTHESIS DEFECT 2. Identifiers: Orphanet 247262, MedGen C4551502, MONDO:0009398, OMIM 239300.

Submission:

Center for Genomics, Ann and Robert H. Lurie Children's Hospital of Chicago
Classification: Uncertain significance for Hyperphosphatasia with impaired intellectual development syndrome 1. Last evaluated: 2021-03-30. Review status: criteria provided, single submitter. Criteria: ACMG Guidelines, 2015. Collection method: clinical testing. Allele origin: germline.
Comment: PIGV NM_017837 exon 3 p.Leu243Pro (c.728T>C): This variant has not been reported in the literature and is not present in large control databases. Evolutionary conservation and computational predictive tools suggest that this variant may impact the protein. In summary, data on this variant is insufficient for disease classification. Therefore, the clinical significance of this variant is uncertain.